The following is an entry in ClinVar:

NM_004527.4(MEOX1):c.502A>G (p.Ser168Gly)

Gene: MEOX1 (mesenchyme homeobox 1; minus strand). Cytogenetic location: 17q21.31.
Variant type: single nucleotide variant.
Coding change: c.502A>G on transcript NM_004527.4 (MANE Select); coding-DNA position 502, A replaced by G.
Protein change: p.Ser168Gly; replaces serine 168 with glycine.
Molecular consequence: missense variant. On other transcripts: intron variant (1).
Genome position (GRCh38, 1-based): chr17:43,643,628, T>C on the plus strand (A>G on the coding strand, the complement: MEOX1 is on the minus strand). VCF-style: chr17-43643628-T-C. GRCh37 (hg19) VCF-style: chr17-41720996-T-C.
Other names: c.157A>G, p.Ser53Gly (NM_001040002.2); c.470-1596A>G (NM_013999.4); c.502A>G (NM_004527.3); short protein forms S53G, S168G.
Identifiers: ClinVar variation 1443000 (VCV001443000.8), dbSNP rs145279679, ClinGen allele CA8592605.

ClinVar aggregate classification (germline): Conflicting classifications of pathogenicity. Review status: criteria provided, conflicting classifications (1 of 4 stars). 3 submissions from 3 submitters: Uncertain significance (1); Likely benign (2). Last evaluated 2025-02-03.

Conditions:
MEOX1-related disorder. Also called: MEOX1-related condition.

Allele frequency attached by ClinVar (database versions not stated): gnomAD exomes 0.00005 and 0.00012; ExAC 0.00013; ESP Exome Variant Server 0.00038; gnomAD 0.00040 and 0.00044; TOPMed 0.00047.
gnomAD v4.1: 139 of 1,613,430 alleles (0.0086%); highest among the groups gnomAD compares: African/African-American, 0.16%; no homozygotes.

Submissions (3):

Labcorp Genetics (formerly Invitae), Labcorp
Classification: Uncertain significance. Last evaluated: 2025-02-03. Review status: criteria provided, single submitter. Criteria: Invitae Variant Classification Sherloc (09022015). Collection method: clinical testing. Allele origin: germline.
Comment: This sequence change replaces serine, which is neutral and polar, with glycine, which is neutral and non-polar, at codon 168 of the MEOX1 protein (p.Ser168Gly). This variant is present in population databases (rs145279679, gnomAD 0.1%). This variant has not been reported in the literature in individuals affected with MEOX1-related conditions. ClinVar contains an entry for this variant (Variation ID: 1443000). An algorithm developed to predict the effect of missense changes on protein structure and function outputs the following: PolyPhen-2: "Benign". The glycine amino acid residue is found in multiple mammalian species, which suggests that this missense change does not adversely affect protein function. In summary, the available evidence is currently insufficient to determine the role of this variant in disease. Therefore, it has been classified as a Variant of Uncertain Significance.

PreventionGenetics, part of Exact Sciences
Classification: Likely benign for MEOX1-related condition. Last evaluated: 2024-12-26. Review status: criteria provided, single submitter. Criteria: ACMG Guidelines, 2015. Collection method: clinical testing. Allele origin: germline.
Comment: This variant is classified as likely benign based on ACMG/AMP sequence variant interpretation guidelines (Richards et al. 2015 PMID: 25741868, with internal and published modifications).

Blueprint Genetics
Classification: Likely benign. Last evaluated: 2024-07-08. Review status: criteria provided, single submitter. Criteria: ACMG Guidelines, 2015. Collection method: clinical testing. Allele origin: germline.